The following is an entry in ClinVar:

NM_004517.4(ILK):c.520C>T (p.Arg174Cys)

Genes: TAF10 (TATA-box binding protein associated factor 10; minus strand), ILK (integrin linked kinase; plus strand). Cytogenetic location: 11p15.4.
Variant type: single nucleotide variant.
Coding change: c.520C>T on transcript NM_004517.4 (MANE Select); coding-DNA position 520, C replaced by T.
Protein change: p.Arg174Cys; replaces arginine 174 with cysteine.
Molecular consequence: missense variant. On other transcripts: synonymous variant (1), 3 prime UTR variant (1).
Genome position (GRCh38, 1-based): chr11:6,608,955, C>T. VCF-style: chr11-6608955-C-T. GRCh37 (hg19) VCF-style: chr11-6630186-C-T.
Other names: c.520C>T, p.Arg174Cys (NM_001014794.3, NM_001014795.3); c.423C>T, p.Pro141= (NM_001278441.2); c.118C>T, p.Arg40Cys (NM_001278442.2); c.*1967G>A (NM_006284.4); short protein forms R174C, R40C.
Identifiers: ClinVar variation 1948698 (VCV001948698.8), dbSNP rs201671181, ClinGen allele CA5858078.

ClinVar aggregate classification (germline): Uncertain significance. Review status: criteria provided, multiple submitters, no conflicts (2 of 4 stars). 3 submissions from 3 submitters: Uncertain significance (3). Last evaluated 2025-07-21.

Conditions:
Primary familial hypertrophic cardiomyopathy (HCM). Identifiers: Orphanet 99739, MedGen C0949658, MeSH D024741, MONDO:0024573. Inheritance: Various modes of inheritance.

Allele frequency attached by ClinVar (database versions not stated): gnomAD 0.00001; gnomAD exomes 0.00001; ExAC 0.00002; TOPMed 0.00002; 1000 Genomes Project 30x 0.00016; 1000 Genomes Project 0.00020.
gnomAD v4.1: 14 of 1,614,176 alleles (0.00087%); highest among the groups gnomAD compares: Admixed American, 0.013%; no homozygotes.

Submissions (3):

Ambry Genetics
Classification: Uncertain significance. Last evaluated: 2025-07-21. Review status: criteria provided, single submitter. Criteria: Ambry Variant Classification Scheme 2023. Collection method: clinical testing. Allele origin: germline.
Comment: The p.R174C variant (also known as c.520C>T), located in coding exon 5 of the ILK gene, results from a C to T substitution at nucleotide position 520. The arginine at codon 174 is replaced by cysteine, an amino acid with highly dissimilar properties. This amino acid position is conserved. In addition, this alteration is predicted to be deleterious by in silico analysis. Based on the available evidence, the clinical significance of this variant remains unclear.

Labcorp Genetics (formerly Invitae), Labcorp
Classification: Uncertain significance for Primary familial hypertrophic cardiomyopathy. Last evaluated: 2022-01-28. Review status: criteria provided, single submitter. Criteria: Invitae Variant Classification Sherloc (09022015). Collection method: clinical testing. Allele origin: germline.
Comment: In summary, the available evidence is currently insufficient to determine the role of this variant in disease. Therefore, it has been classified as a Variant of Uncertain Significance. Algorithms developed to predict the effect of missense changes on protein structure and function are either unavailable or do not agree on the potential impact of this missense change (SIFT: "Deleterious"; PolyPhen-2: "Benign"; Align-GVGD: "Class C65"). This variant has not been reported in the literature in individuals affected with ILK-related conditions. This variant is present in population databases (rs201671181, gnomAD 0.02%). This sequence change replaces arginine, which is basic and polar, with cysteine, which is neutral and slightly polar, at codon 174 of the ILK protein (p.Arg174Cys).

Revvity Omics, Revvity
Classification: Uncertain significance. Last evaluated: 2021-12-06. Review status: criteria provided, single submitter. Criteria: ACMG Guidelines, 2015. Collection method: clinical testing. Allele origin: germline.